The following is an entry in ClinVar:

NM_001358921.2(COQ2):c.-26G>C

Genes: COQ2 (coenzyme Q2, polyprenyltransferase; minus strand), LOC112997540 (Sharpr-MPRA regulatory region 13773; plus strand). Cytogenetic location: 4q21.23.
Variant type: single nucleotide variant.
Coding change: c.-26G>C on transcript NM_001358921.2 (MANE Select); 26 bases upstream of the start codon, G replaced by C.
Molecular consequence: 5 prime UTR variant. On other transcripts: missense variant (1).
Genome position (GRCh38, 1-based): chr4:83,284,790, C>G on the plus strand (G>C on the coding strand, the complement: COQ2 is on the minus strand). VCF-style: chr4-83284790-C-G. GRCh37 (hg19) VCF-style: chr4-84205943-C-G.
Other names: c.125G>C (NM_015697.7, NM_015697.8); c.125G>C, p.Arg42Pro (NM_015697.9); short protein forms R42P.
Identifiers: ClinVar variation 2196542 (VCV002196542.5), dbSNP rs771453543, ClinGen allele CA2988711.

ClinVar aggregate classification (germline): Uncertain significance. Review status: criteria provided, multiple submitters, no conflicts (2 of 4 stars). 3 submissions from 3 submitters: Uncertain significance (3). Last evaluated 2026-01-05.

Conditions:
Coenzyme Q10 deficiency, primary, 1. Also called: UBIQUINONE DEFICIENCY 1; COENZYME Q DEFICIENCY 1; CoQ DEFICIENCY 1. Identifiers: Orphanet 255249, MedGen C3551954, MONDO:0011829, OMIM 607426.
Multiple system atrophy 1, susceptibility to. Also called: MSA1, SUSCEPTIBILITY TO. Identifiers: MedGen C3714927, MONDO:0020715, OMIM 146500.

Allele frequency attached by ClinVar (database versions not stated): TOPMed 0.00002; gnomAD 0.00002.
gnomAD v4.1: 26 of 1,568,138 alleles (0.0017%); highest among the groups gnomAD compares: Middle Eastern, 0.05%; no homozygotes.

Submissions (3):

Labcorp Genetics (formerly Invitae), Labcorp
Classification: Uncertain significance. Last evaluated: 2026-01-05. Review status: criteria provided, single submitter. Criteria: Invitae Variant Classification Sherloc (09022015). Collection method: clinical testing. Allele origin: germline.
Comment: This sequence change replaces arginine, which is basic and polar, with proline, which is neutral and non-polar, at codon 42 of the COQ2 protein (p.Arg42Pro). This variant is present in population databases (rs771453543, gnomAD 0.01%). This variant has not been reported in the literature in individuals affected with COQ2-related conditions. ClinVar contains an entry for this variant (Variation ID: 2196542). An algorithm developed to predict the effect of missense changes on protein structure and function (PolyPhen-2) suggests that this variant is likely to be tolerated. In summary, the available evidence is currently insufficient to determine the role of this variant in disease. Therefore, it has been classified as a Variant of Uncertain Significance.

GeneDx
Classification: Uncertain significance. Last evaluated: 2025-10-30. Review status: criteria provided, single submitter. Criteria: GeneDx Variant Classification Process June 2021. Collection method: clinical testing. Allele origin: germline.
Comment: Reported without a second variant in a patient with familial hypercholesterolemia from a cohort of individuals with dyslipidemia in published literature (PMID: 33111339); In silico analysis suggests that this missense variant does not alter protein structure/function; Not observed at significant frequency in large population cohorts (gnomAD); This variant is associated with the following publications: (PMID: 33111339)

Fulgent Genetics
Classification: Uncertain significance for Multiple system atrophy 1, susceptibility to; Coenzyme Q10 deficiency, primary, 1. Last evaluated: 2024-01-24. Review status: criteria provided, single submitter. Criteria: ACMG Guidelines, 2015. Collection method: clinical testing. Allele origin: germline.